The following is an entry in ClinVar:

NM_001127178.3(PIGG):c.2572-3C>T

Gene: PIGG (phosphatidylinositol glycan anchor biosynthesis class G (EMM blood group); plus strand). Cytogenetic location: 4p16.3.
Variant type: single nucleotide variant.
Coding change: c.2572-3C>T on transcript NM_001127178.3 (MANE Select); 3 bases into the intron before coding-DNA position 2572, C replaced by T.
Molecular consequence: intron variant.
Genome position (GRCh38, 1-based): chr4:533,815, C>T. VCF-style: chr4-533815-C-T. GRCh37 (hg19) VCF-style: chr4-527604-C-T.
Other names: c.1474-3C>T (NM_001345994.2); c.2305-3C>T (NM_001345986.2, NM_001289051.2); c.2281-3C>T (NM_001345987.2); c.1039-3C>T (NM_001345991.2, NM_001345990.2); c.1543-3C>T (NM_001345988.2); c.2548-3C>T (NM_017733.5); c.2173-3C>T (NM_001289052.2).
Identifiers: ClinVar variation 2048359 (VCV002048359.4), dbSNP rs1729679144, ClinGen allele CA1432799061.

ClinVar aggregate classification (germline): Uncertain significance (1 of 4 stars; one submission).

Conditions:
Intellectual disability, autosomal recessive 53 (NEDHSCA). Also called: GLYCOSYLPHOSPHATIDYLINOSITOL BIOSYNTHESIS DEFECT 13; Mental retardation, autosomal recessive 53; NEURODEVELOPMENTAL DISORDER WITH OR WITHOUT HYPOTONIA, SEIZURES, AND CEREBELLAR ATROPHY. Identifiers: Orphanet 488635, MedGen C4310794, MONDO:0014832, OMIM 616917.

Allele frequency attached by ClinVar (database versions not stated): TOPMed below 0.00001.

Submission:

Labcorp Genetics (formerly Invitae), Labcorp
Classification: Uncertain significance for Intellectual disability, autosomal recessive 53. Last evaluated: 2022-07-19. Review status: criteria provided, single submitter. Criteria: Invitae Variant Classification Sherloc (09022015). Collection method: clinical testing. Allele origin: germline.
Comment: In summary, the available evidence is currently insufficient to determine the role of this variant in disease. Therefore, it has been classified as a Variant of Uncertain Significance. Variants that disrupt the consensus splice site are a relatively common cause of aberrant splicing (PMID: 17576681, 9536098). Algorithms developed to predict the effect of sequence changes on RNA splicing suggest that this variant is not likely to affect RNA splicing. This variant has not been reported in the literature in individuals affected with PIGG-related conditions. This variant is not present in population databases (gnomAD no frequency). This sequence change falls in intron 11 of the PIGG gene. It does not directly change the encoded amino acid sequence of the PIGG protein. It affects a nucleotide within the consensus splice site.

Literature cited by the submitters: PubMed 17576681; PubMed 9536098.